The following is an entry in ClinVar:

NM_001814.6(CTSC):c.856C>T (p.Gln286Ter)

Gene: CTSC (cathepsin C; minus strand). Cytogenetic location: 11q14.2.
Variant type: single nucleotide variant.
Coding change: c.856C>T on transcript NM_001814.6 (MANE Select); coding-DNA position 856, C replaced by T.
Protein change: p.Gln286Ter; replaces glutamine 286 with a stop codon.
Molecular consequence: nonsense.
Genome position (GRCh38, 1-based): chr11:88,296,166, G>A on the plus strand (C>T on the coding strand, the complement: CTSC is on the minus strand). VCF-style: chr11-88296166-G-A. GRCh37 (hg19) VCF-style: chr11-88029334-G-A.
Other names: E286*; c.856C>T, p.Gln286Ter (LRG_50t1); short protein forms Q286*.
Identifiers: ClinVar variation 7292 (VCV000007292.5), dbSNP rs104894209, ClinGen allele CA118679.

ClinVar aggregate classification (germline): Pathogenic. Review status: criteria provided, single submitter (1 of 4 stars). 2 submissions from 2 submitters: Pathogenic (1). 1 of the submissions does not count toward it. Last evaluated 2023-07-19.

Conditions:
Papillon-Lefèvre syndrome (PALS). Also called: KERATOSIS PALMOPLANTARIS WITH PERIODONTOPATHIA; Papillon-Lefevre Disease. Identifiers: Orphanet 678, MedGen C0030360, MONDO:0009490, OMIM 245000.
Haim-Munk syndrome (HMS). Also called: COCHIN JEWISH DISORDER; KERATOSIS PALMOPLANTARIS WITH PERIODONTOPATHIA AND ONYCHOGRYPOSIS. Identifiers: Orphanet 2342, MedGen C1855627, MONDO:0009491, OMIM 245010.
Periodontitis, aggressive. Identifiers: MedGen C0031106, MONDO:0980757.

Allele frequency attached by ClinVar (database versions not stated): gnomAD 0.00001.
gnomAD v4.1: 1 of 1,613,890 alleles (0.000062%); highest among the groups gnomAD compares: Non-Finnish European, 0.000085%; no homozygotes.

Submissions (2):

Labcorp Genetics (formerly Invitae), Labcorp
Classification: Pathogenic for Haim-Munk syndrome; Periodontitis, aggressive; Papillon-Lefèvre syndrome. Last evaluated: 2023-07-19. Review status: criteria provided, single submitter. Criteria: Invitae Variant Classification Sherloc (09022015). Collection method: clinical testing. Allele origin: germline.
Comment: This sequence change creates a premature translational stop signal (p.Gln286*) in the CTSC gene. While this is not anticipated to result in nonsense mediated decay, it is expected to disrupt the last 178 amino acid(s) of the CTSC protein. This variant is present in population databases (rs104894209, gnomAD 0.007%). This premature translational stop signal has been observed in individual(s) with Papillon-Lefevre syndrome (PMID: 10593994). It has also been observed to segregate with disease in related individuals. ClinVar contains an entry for this variant (Variation ID: 7292). Algorithms developed to predict the effect of sequence changes on RNA splicing suggest that this variant may disrupt the consensus splice site. This variant disrupts a region of the CTSC protein in which other variant(s) (p.Gln286Arg) have been determined to be pathogenic (PMID: 10662807). This suggests that this is a clinically significant region of the protein, and that variants that disrupt it are likely to be disease-causing. For these reasons, this variant has been classified as Pathogenic.

OMIM
Classification: Pathogenic for PAPILLON-LEFEVRE SYNDROME. Last evaluated: 1999-12-01. Review status: no assertion criteria provided. Collection method: literature only. Allele origin: germline. Not counted in ClinVar's aggregate classification.

Literature cited by the submitters: PubMed 10593994 (cited by Labcorp Genetics (formerly Invitae), Labcorp and OMIM); PubMed 10662807 (cited by Labcorp Genetics (formerly Invitae), Labcorp).